The following is an entry in ClinVar:

ClinVar aggregate classification (germline): Pathogenic (1 of 4 stars; one submission).

Conditions:
Hermansky-Pudlak syndrome 1 (HPS1). Also called: DELTA STORAGE POOL DISEASE. Identifiers: Orphanet 231500, Orphanet 79430, MedGen C2931875, MONDO:0008748, OMIM 203300.

Submission:

Myriad Genetics, Inc.
Classification: Pathogenic for Hermansky-Pudlak syndrome 1. Last evaluated: 2024-08-12. Review status: criteria provided, single submitter. Criteria: Myriad Autosomal Dominant, Autosomal Recessive and X-Linked Classification Criteria (2023). Collection method: clinical testing. Allele origin: unknown.
Comment: NM_000195.3(HPS1):c.900C>A(Y300*) is expected to be pathogenic in the context of Hermansky-Pudlak syndrome, HPS1-related. This variant is predicted to lead to an abnormal or absent protein product due to the creation of a premature termination codon in HPS1, a gene where loss-of-function variants are known to be pathogenic. Please note: this variant was assessed in the context of healthy population screening.

NM_000195.5(HPS1):c.900C>A (p.Tyr300Ter)

Gene: HPS1 (HPS1 biogenesis of lysosomal organelles complex 3 subunit 1; minus strand). Cytogenetic location: 10q24.2.
Variant type: single nucleotide variant.
Coding change: c.900C>A on transcript NM_000195.5 (MANE Select); coding-DNA position 900, C replaced by A.
Protein change: p.Tyr300Ter; replaces tyrosine 300 with a stop codon.
Molecular consequence: nonsense. On other transcripts: 5 prime UTR variant (3), missense variant (2).
Genome position (GRCh38, 1-based): chr10:98,429,610, G>T on the plus strand (C>A on the coding strand, the complement: HPS1 is on the minus strand). VCF-style: chr10-98429610-G-T. GRCh37 (hg19) VCF-style: chr10-100189367-G-T.
Other names: c.-73C>A (NM_001311345.2, NM_001322487.2, NM_001322489.2); c.900C>A, p.Tyr300Ter (NM_001322476.2, NM_001322477.2, NM_182639.4); c.801C>A, p.Tyr267Ter (NM_001322478.2, NM_001322479.2, NM_001322491.2); c.639C>A, p.Tyr213Ter (NM_001322480.2, NM_001322481.2); c.540C>A, p.Tyr180Ter (NM_001322482.2); c.531C>A, p.Tyr177Ter (NM_001322483.2, NM_001322484.2); c.432C>A, p.Tyr144Ter (NM_001322485.2); c.782C>A, p.Thr261Asn (NM_001322490.2); and 1 more; short protein forms T228N, T261N, Y144*, Y177*, Y180*, Y213*, Y267*, Y300*.
Identifiers: ClinVar variation 5013444 (VCV005013444.1).